The following is an entry in ClinVar:

NM_001130987.2(DYSF):c.3526A>G (p.Met1176Val)

Gene: DYSF (dysferlin; plus strand). Cytogenetic location: 2p13.2.
Variant type: single nucleotide variant.
Coding change: c.3526A>G on transcript NM_001130987.2 (MANE Select); coding-DNA position 3526, A replaced by G.
Protein change: p.Met1176Val; replaces methionine 1176 with valine.
Molecular consequence: missense variant.
Genome position (GRCh38, 1-based): chr2:71,590,240, A>G. VCF-style: chr2-71590240-A-G. GRCh37 (hg19) VCF-style: chr2-71817370-A-G.
Other names: c.3475A>G, p.Met1159Val (NM_001130455.2, NM_001130983.2); c.3430A>G, p.Met1144Val (NM_001130976.2, NM_001130977.2); c.3472A>G, p.Met1158Val (NM_001130978.2, NM_003494.4); c.3565A>G, p.Met1189Val (NM_001130979.2); c.3523A>G, p.Met1175Val (NM_001130980.2, NM_001130981.2); c.3568A>G, p.Met1190Val (NM_001130982.2); c.3433A>G, p.Met1145Val (NM_001130984.2, NM_001130986.2); c.3526A>G, p.Met1176Val (NM_001130985.2); short protein forms M1144V, M1190V, M1175V, M1145V, M1159V, M1176V, M1158V, M1189V.
Identifiers: ClinVar variation 2162879 (VCV002162879.1), dbSNP rs2545996167, ClinGen allele CA347220781.

ClinVar aggregate classification (germline): Uncertain significance (1 of 4 stars; one submission).

Conditions:
Neuromuscular disease caused by qualitative or quantitative defects of dysferlin. Also called: Dysferlinopathy; Qualitative or quantitative defects of dysferlin. Identifiers: Orphanet 207073, MedGen C2931687, MONDO:0016145.

Allele frequency attached by ClinVar (database versions not stated): gnomAD exomes below 0.00001.

Submission:

Labcorp Genetics (formerly Invitae), Labcorp
Classification: Uncertain significance for Neuromuscular disease caused by qualitative or quantitative defects of dysferlin. Last evaluated: 2021-08-31. Review status: criteria provided, single submitter. Criteria: Invitae Variant Classification Sherloc (09022015). Collection method: clinical testing. Allele origin: germline.
Comment: This sequence change replaces methionine with valine at codon 1158 of the DYSF protein (p.Met1158Val). The methionine residue is weakly conserved and there is a small physicochemical difference between methionine and valine. This variant is not present in population databases (ExAC no frequency). This variant has not been reported in the literature in individuals affected with DYSF-related conditions. Algorithms developed to predict the effect of missense changes on protein structure and function (SIFT, PolyPhen-2, Align-GVGD) all suggest that this variant is likely to be tolerated. In summary, the available evidence is currently insufficient to determine the role of this variant in disease. Therefore, it has been classified as a Variant of Uncertain Significance.